The following is an entry in ClinVar:

NM_033004.4(NLRP1):c.1158A>T (p.Lys386Asn)

Gene: NLRP1 (NLR family pyrin domain containing 1; minus strand). Cytogenetic location: 17p13.2.
Variant type: single nucleotide variant.
Coding change: c.1158A>T on transcript NM_033004.4 (MANE Select); coding-DNA position 1158, A replaced by T.
Protein change: p.Lys386Asn; replaces lysine 386 with asparagine.
Molecular consequence: missense variant.
Genome position (GRCh38, 1-based): chr17:5,559,538, T>A on the plus strand (A>T on the coding strand, the complement: NLRP1 is on the minus strand). VCF-style: chr17-5559538-T-A. GRCh37 (hg19) VCF-style: chr17-5462858-T-A.
Other names: c.1158A>T, p.Lys386Asn (NM_001033053.3, NM_014922.5, NM_033006.4 and 1 more transcripts); short protein forms K386N.
Identifiers: ClinVar variation 1352590 (VCV001352590.9), dbSNP rs902420046, ClinGen allele CA287268672.

ClinVar aggregate classification (germline): Uncertain significance. Review status: criteria provided, multiple submitters, no conflicts (2 of 4 stars). 2 submissions from 2 submitters: Uncertain significance (2). Last evaluated 2026-08-06.

Conditions:
Autoinflammation with arthritis and dyskeratosis (AIADK). Identifiers: MedGen C4479278, MONDO:0060457, OMIM 617388.

Allele frequency attached by ClinVar (database versions not stated): gnomAD exomes below 0.00001; TOPMed 0.00001.
gnomAD v4.1: 1 of 1,614,142 alleles (0.000062%); highest among the groups gnomAD compares: Admixed American, 0.0017%; no homozygotes.

Submissions (2):

OLLIN Analises Genomicas, OLLIN
Classification: Uncertain significance for Autoinflammation with arthritis and dyskeratosis. Last evaluated: 2026-08-06. Review status: criteria provided, single submitter. Criteria: ACMG Guidelines 2015 PMID 25741868. Collection method: clinical testing. Allele origin: germline.
Comment: This missense variant, located in exon 4 (of 17), has been reported in ClinVar (accession VCV001352590.8) and in gnomAD with an allele frequency of 0.000062%. However, to our knowledge, it has not been reported in the scientific literature. In silico analysis predicts that this variant has a tolerated effect. According to the currently available evidence, this variant has been classified as uncertain significance (PM2_P, BP4).

Labcorp Genetics (formerly Invitae), Labcorp
Classification: Uncertain significance. Last evaluated: 2025-05-19. Review status: criteria provided, single submitter. Criteria: Invitae Variant Classification Sherloc (09022015). Collection method: clinical testing. Allele origin: germline.
Comment: This sequence change replaces lysine, which is basic and polar, with asparagine, which is neutral and polar, at codon 386 of the NLRP1 protein (p.Lys386Asn). This variant is not present in population databases (gnomAD no frequency). This variant has not been reported in the literature in individuals affected with NLRP1-related conditions. ClinVar contains an entry for this variant (Variation ID: 1352590). An algorithm developed to predict the effect of missense changes on protein structure and function (PolyPhen-2) suggests that this variant is likely to be disruptive. In summary, the available evidence is currently insufficient to determine the role of this variant in disease. Therefore, it has been classified as a Variant of Uncertain Significance.